The following is an entry in ClinVar:

NM_000435.3(NOTCH3):c.5926dup (p.Leu1976fs)

Gene: NOTCH3 (notch receptor 3; minus strand). Cytogenetic location: 19p13.12.
Variant type: Duplication.
Coding change: c.5926dup on transcript NM_000435.3 (MANE Select); coding-DNA position 5926, one base duplicated (C; older notation c.5926dupC).
Protein change: p.Leu1976fs; shifts the reading frame from leucine 1976.
Molecular consequence: frameshift variant.
Genome position (GRCh38, 1-based): chr19:15,161,702, G duplicated on the plus strand (C on the coding strand, the reverse complement: NOTCH3 is on the minus strand); the first of 6 consecutive G bases (chr19:15,161,702-15,161,707); duplicating any one gives the same sequence. VCF-style (leftmost placement, unchanged base first): chr19-15161701-A-AG. GRCh37 (hg19) VCF-style: chr19-15272512-A-AG.
Other names: short protein forms L1976fs.
Identifiers: ClinVar variation 420199 (VCV000420199.3), dbSNP rs1555725170, ClinGen allele CA16620806.

ClinVar aggregate classification (germline): Conflicting classifications of pathogenicity. Review status: criteria provided, conflicting classifications (1 of 4 stars). 2 submissions from 2 submitters: Likely pathogenic (1); Uncertain significance (1). Last evaluated 2021-08-16.

Submissions (2):

Blueprint Genetics
Classification: Uncertain significance. Last evaluated: 2021-08-16. Review status: criteria provided, single submitter. Criteria: ACMG Guidelines, 2015. Collection method: clinical testing. Allele origin: germline.

GeneDx
Classification: Likely pathogenic. Last evaluated: 2015-12-15. Review status: criteria provided, single submitter. Criteria: GeneDx Variant Classification (06012015). Collection method: clinical testing. Allele origin: germline. Affected: yes.
Comment: The c.5926dupC variant in the NOTCH3 gene has not been reported previously as a pathogenic variant nor as a benign variant, to our knowledge. The c.5926dupC variant causes a frameshift starting with codon Leucine 1976, changes this amino acid to a Proline residue, and creates a premature Stop codon at position 11 of the new reading frame, denoted p.Leu1976ProfsX11. This variant is predicted to cause loss of normal protein function through protein truncation. The c.5926dupC variant was not observed in approximately 6500 individuals of European and African American ancestry in the NHLBI Exome Sequencing Project, indicating it is not a common benign variant in these populations. The c.5926dupC variant is a strong candidate for a pathogenic variant, however the possibility it may be a rare benign variant cannot be excluded.